The following is an entry in ClinVar:

ClinVar aggregate classification (germline): Uncertain significance. Review status: criteria provided, multiple submitters, no conflicts (2 of 4 stars). 2 submissions from 2 submitters: Uncertain significance (2). Last evaluated 2025-05-13.

Conditions:
Fanconi anemia (FA). Also called: Fanconi's anemia. Identifiers: Orphanet 84, MedGen C0015625, MeSH D005199, MONDO:0019391.

Allele frequency attached by ClinVar (database versions not stated): gnomAD exomes below 0.00001; 1000 Genomes Project 30x 0.00031; gnomAD 0.00001 and 0.00002; 1000 Genomes Project 0.00020.
gnomAD v4.1: 5 of 1,614,114 alleles (0.00031%); highest among the groups gnomAD compares: Admixed American, 0.005%; no homozygotes.

Submissions (2):

GeneDx
Classification: Uncertain significance. Last evaluated: 2025-05-13. Review status: criteria provided, single submitter. Criteria: GeneDx Variant Classification Process June 2021. Collection method: clinical testing. Allele origin: germline. Affected: yes.
Comment: Not observed at significant frequency in large population cohorts (gnomAD); In silico analysis suggests that this missense variant does not alter protein structure/function; Has not been previously published as pathogenic or benign to our knowledge

Labcorp Genetics (formerly Invitae), Labcorp
Classification: Uncertain significance for Fanconi anemia. Last evaluated: 2024-04-08. Review status: criteria provided, single submitter. Criteria: Invitae Variant Classification Sherloc (09022015). Collection method: clinical testing. Allele origin: germline.
Comment: This sequence change replaces histidine, which is basic and polar, with arginine, which is basic and polar, at codon 1116 of the FANCD2 protein (p.His1116Arg). This variant is present in population databases (rs548876750, gnomAD 0.007%). This variant has not been reported in the literature in individuals affected with FANCD2-related conditions. ClinVar contains an entry for this variant (Variation ID: 1514918). Advanced modeling of protein sequence and biophysical properties (such as structural, functional, and spatial information, amino acid conservation, physicochemical variation, residue mobility, and thermodynamic stability) performed at Invitae indicates that this missense variant is not expected to disrupt FANCD2 protein function with a negative predictive value of 80%. In summary, the available evidence is currently insufficient to determine the role of this variant in disease. Therefore, it has been classified as a Variant of Uncertain Significance.

NM_001018115.3(FANCD2):c.3347A>G (p.His1116Arg)

Genes: FANCD2 (FA complementation group D2; plus strand), FANCD2OS (FANCD2 opposite strand; minus strand). Cytogenetic location: 3p25.3.
Variant type: single nucleotide variant.
Coding change: c.3347A>G on transcript NM_001018115.3 (MANE Select); coding-DNA position 3347, A replaced by G.
Protein change: p.His1116Arg; replaces histidine 1116 with arginine.
Molecular consequence: missense variant. On other transcripts: intron variant (1).
Genome position (GRCh38, 1-based): chr3:10,087,145, A>G. VCF-style: chr3-10087145-A-G. GRCh37 (hg19) VCF-style: chr3-10128829-A-G.
Other names: c.3347A>G, p.His1116Arg (NM_001319984.2, NM_001374254.1, NM_033084.6); c.3236A>G, p.His1079Arg (NM_001374253.1); c.*44-5614T>C (NM_173472.2); short protein forms H1079R, H1116R.
Identifiers: ClinVar variation 1514918 (VCV001514918.6), dbSNP rs548876750, ClinGen allele CA70029539.